The following is an entry in ClinVar:

NM_003442.6(ZNF143):c.200C>G (p.Ser67Cys)

Gene: ZNF143 (zinc finger protein 143; plus strand). Cytogenetic location: 11p15.4.
Variant type: single nucleotide variant.
Coding change: c.200C>G on transcript NM_003442.6 (MANE Select); coding-DNA position 200, C replaced by G.
Protein change: p.Ser67Cys; replaces serine 67 with cysteine.
Molecular consequence: missense variant. On other transcripts: intron variant (1).
Genome position (GRCh38, 1-based): chr11:9,472,764, C>G. VCF-style: chr11-9472764-C-G. GRCh37 (hg19) VCF-style: chr11-9494311-C-G.
Other names: c.200C>G, p.Ser67Cys (NM_001282656.2); c.113-1177C>G (NM_001282657.2); short protein forms S67C.
Identifiers: ClinVar variation 4693685 (VCV004693685.1).

ClinVar aggregate classification (germline): Uncertain significance (1 of 4 stars; one submission).

gnomAD v4.1: 6 of 1,575,394 alleles (0.00038%); highest among the groups gnomAD compares: Non-Finnish European, 0.00052%; no homozygotes.

Submission:

Labcorp Genetics (formerly Invitae), Labcorp
Classification: Uncertain significance. Last evaluated: 2025-05-22. Review status: criteria provided, single submitter. Criteria: Invitae Variant Classification Sherloc (09022015). Collection method: clinical testing. Allele origin: germline.
Comment: This sequence change replaces serine, which is neutral and polar, with cysteine, which is neutral and slightly polar, at codon 67 of the ZNF143 protein (p.Ser67Cys). This variant is not present in population databases (gnomAD no frequency). This variant has not been reported in the literature in individuals affected with ZNF143-related conditions. An algorithm developed to predict the effect of missense changes on protein structure and function (PolyPhen-2) suggests that this variant is likely to be disruptive. In summary, the available evidence is currently insufficient to determine the role of this variant in disease. Therefore, it has been classified as a Variant of Uncertain Significance.